The following is an entry in ClinVar:

ClinVar aggregate classification (germline): Pathogenic (1 of 4 stars; one submission).

Conditions:
Breast-ovarian cancer, familial, susceptibility to, 2 (BROVCA2). Also called: BRCA2 Hereditary Breast and Ovarian Cancer. Identifiers: Orphanet 145, MedGen C2675520, MONDO:0012933, OMIM 612555. Disease mechanism: loss of function.

Submission:

Myriad Genetics, Inc.
Classification: Pathogenic for Breast-ovarian cancer, familial, susceptibility to, 2. Last evaluated: 2023-03-21. Review status: criteria provided, single submitter. Criteria: Myriad Autosomal Dominant, Autosomal Recessive and X-Linked Classification Criteria (2023). Collection method: clinical testing. Allele origin: unknown.
Comment: This variant is considered pathogenic. This variant creates a termination codon and is predicted to result in premature protein truncation.

NM_000059.4(BRCA2):c.1848T>A (p.Cys616Ter)

Gene: BRCA2 (BRCA2 DNA repair associated; plus strand). Cytogenetic location: 13q13.1.
Variant type: single nucleotide variant.
Coding change: c.1848T>A on transcript NM_000059.4 (MANE Select); coding-DNA position 1848, T replaced by A.
Protein change: p.Cys616Ter; replaces cysteine 616 with a stop codon.
Molecular consequence: nonsense. On other transcripts: non-coding transcript variant (1), intron variant (1).
Genome position (GRCh38, 1-based): chr13:32,333,326, T>A. VCF-style: chr13-32333326-T-A. GRCh37 (hg19) VCF-style: chr13-32907463-T-A.
Other names: c.1848T>A, p.Cys616Ter (NM_001406719.1, NM_001406720.1, NM_001406721.1); c.424+2296T>A (NM_001406722.1); short protein forms C616*.
Identifiers: ClinVar variation 2573239 (VCV002573239.1), dbSNP rs2137475605, ClinGen allele CA387766357.